The following is an entry in ClinVar:

ClinVar aggregate classification (germline): Uncertain significance. Review status: criteria provided, multiple submitters, no conflicts (2 of 4 stars). 3 submissions from 3 submitters: Uncertain significance (3). Last evaluated 2025-12-03.

Conditions:
Lysinuric protein intolerance (LPI). Identifiers: Orphanet 470, MedGen C0268647, MONDO:0009109, OMIM 222700.

Submissions (3):

Department of Molecular Genetics, Istishari Arab Hospital
Classification: Uncertain significance for Lysinuric protein intolerance. Last evaluated: 2025-12-03. Review status: criteria provided, single submitter. Criteria: ACMG Guidelines, 2015. Collection method: clinical testing. Allele origin: germline. Inheritance: Autosomal recessive inheritance. Affected: yes.
Comment: The SLC7A7 variant c.335G>A, p.Gly112Glu creates an amino acid change from Gly to Glu at position 112. This variant was observed at an extremely low frequency in the gnomAD (v.4.1.0) database. This variant was not previously reported in the literature. It is classified as a variant of uncertain significance according to the recommendations of ACMG/AMP/ClinGen SVI guidelines.

3billion
Classification: Uncertain significance for Lysinuric protein intolerance. Last evaluated: 2025-08-26. Review status: criteria provided, single submitter. Criteria: ACMG Guidelines, 2015. Collection method: clinical testing. Allele origin: germline. Affected: yes.
Comment: The variant is observed at an extremely low frequency in the gnomAD v4.1.0 dataset (total allele frequency: <0.001%). Predicted Consequence/Location: Missense variant. The majority of the known disease-causing variants of this gene are variants expected to result in premature termination of the protein. In silico tool predictions suggest damaging effect of the variant on gene or gene product [REVEL: 0.96 (>=0.6, sensitivity 0.68 and specificity 0.92); 3Cnet: 0.97 (> 0.75, sensitivity 0.96 and precision 0.92)]. Therefore, this variant is classified as VUS according to the recommendation of ACMG/AMP guideline.

Labcorp Genetics (formerly Invitae), Labcorp
Classification: Uncertain significance for Lysinuric protein intolerance. Last evaluated: 2025-03-29. Review status: criteria provided, single submitter. Criteria: Invitae Variant Classification Sherloc (09022015). Collection method: clinical testing. Allele origin: germline.
Comment: This sequence change replaces glycine, which is neutral and non-polar, with glutamic acid, which is acidic and polar, at codon 112 of the SLC7A7 protein (p.Gly112Glu). This variant is not present in population databases (gnomAD no frequency). This variant has not been reported in the literature in individuals affected with SLC7A7-related conditions. An algorithm developed to predict the effect of missense changes on protein structure and function (PolyPhen-2) suggests that this variant is likely to be disruptive. In summary, the available evidence is currently insufficient to determine the role of this variant in disease. Therefore, it has been classified as a Variant of Uncertain Significance.

NM_003982.4(SLC7A7):c.335G>A (p.Gly112Glu)

Gene: SLC7A7 (solute carrier family 7 member 7; minus strand). Cytogenetic location: 14q11.2.
Variant type: single nucleotide variant.
Coding change: c.335G>A on transcript NM_003982.4 (MANE Select); coding-DNA position 335, G replaced by A.
Protein change: p.Gly112Glu; replaces glycine 112 with glutamic acid.
Molecular consequence: missense variant.
Genome position (GRCh38, 1-based): chr14:22,813,064, C>T on the plus strand (G>A on the coding strand, the complement: SLC7A7 is on the minus strand). VCF-style: chr14-22813064-C-T. GRCh37 (hg19) VCF-style: chr14-23282273-C-T.
Other names: p.Gly112Glu; c.335G>A, p.Gly112Glu (NM_001126105.3, NM_001126106.4); short protein forms G112E.
Identifiers: ClinVar variation 4533328 (VCV004533328.3).